The following is an entry in ClinVar:

ClinVar aggregate classification (germline): Pathogenic/Likely pathogenic. Review status: criteria provided, multiple submitters, no conflicts (2 of 4 stars). 2 submissions from 2 submitters: Pathogenic (1); Likely pathogenic (1). Last evaluated 2024-05-09.

Conditions:
Wilson disease (WND). Also called: Wilson's disease. Identifiers: Orphanet 905, MedGen C0019202, MONDO:0010200, OMIM 277900. Disease mechanism: loss of function.

Submissions (2):

Fulgent Genetics
Classification: Likely pathogenic for Wilson disease. Last evaluated: 2024-05-09. Review status: criteria provided, single submitter. Criteria: ACMG Guidelines, 2015. Collection method: clinical testing. Allele origin: germline.

Labcorp Genetics (formerly Invitae), Labcorp
Classification: Pathogenic for Wilson disease. Last evaluated: 2023-06-29. Review status: criteria provided, single submitter. Criteria: Invitae Variant Classification Sherloc (09022015). Collection method: clinical testing. Allele origin: germline.
Comment: This sequence change creates a premature translational stop signal (p.Gln538*) in the ATP7B gene. It is expected to result in an absent or disrupted protein product. Loss-of-function variants in ATP7B are known to be pathogenic (PMID: 10441329, 16283883). This variant is not present in population databases (gnomAD no frequency). This variant has not been reported in the literature in individuals affected with ATP7B-related conditions. For these reasons, this variant has been classified as Pathogenic.

Literature cited by the submitters: PubMed 10441329 (cited by Labcorp Genetics (formerly Invitae), Labcorp); PubMed 16283883 (cited by Labcorp Genetics (formerly Invitae), Labcorp).

NM_000053.4(ATP7B):c.1612C>T (p.Gln538Ter)

Gene: ATP7B (ATPase copper transporting beta; minus strand). Cytogenetic location: 13q14.3.
Variant type: single nucleotide variant.
Coding change: c.1612C>T on transcript NM_000053.4 (MANE Select); coding-DNA position 1612, C replaced by T.
Protein change: p.Gln538Ter; replaces glutamine 538 with a stop codon.
Molecular consequence: nonsense. On other transcripts: intron variant (1).
Genome position (GRCh38, 1-based): chr13:51,968,539, G>A on the plus strand (C>T on the coding strand, the complement: ATP7B is on the minus strand). VCF-style: chr13-51968539-G-A. GRCh37 (hg19) VCF-style: chr13-52542675-G-A.
Other names: c.1612C>T, p.Gln538Ter (NM_001005918.3, NM_001330578.2, NM_001330579.2 and 26 more transcripts); c.1279C>T, p.Gln427Ter (NM_001243182.2); c.1579C>T, p.Gln527Ter (NM_001406514.1, NM_001406524.1); c.1516C>T, p.Gln506Ter (NM_001406517.1, NM_001406518.1, NM_001406536.1 and 3 more transcripts); c.1183C>T, p.Gln395Ter (NM_001406539.1); c.1285+5396C>T (NM_001406548.1); short protein forms Q395*, Q506*, Q427*, Q538*, Q527*.
Identifiers: ClinVar variation 2883489 (VCV002883489.4), dbSNP rs2547778738, ClinGen allele CA388033037.